The following is an entry in ClinVar:

ClinVar aggregate classification (germline): Uncertain significance. Review status: criteria provided, multiple submitters, no conflicts (2 of 4 stars). 2 submissions from 2 submitters: Uncertain significance (2). Last evaluated 2025-01-02.

Conditions:
Fanconi anemia (FA). Also called: Fanconi's anemia. Identifiers: Orphanet 84, MedGen C0015625, MeSH D005199, MONDO:0019391.
Inborn genetic diseases. Identifiers: MedGen C0950123, MeSH D030342.

Allele frequency attached by ClinVar (database versions not stated): gnomAD exomes below 0.00001.
gnomAD v4.1: 1 of 1,450,932 alleles (0.000069%); no homozygotes.

Submissions (2):

Ambry Genetics
Classification: Uncertain significance for Inborn genetic diseases. Last evaluated: 2025-01-02. Review status: criteria provided, single submitter. Criteria: Ambry Variant Classification Scheme 2023. Collection method: clinical testing. Allele origin: germline.
Comment: The p.W464L variant (also known as c.1391G>T), located in coding exon 8 of the FANCM gene, results from a G to T substitution at nucleotide position 1391. The tryptophan at codon 464 is replaced by leucine, an amino acid with similar properties. This amino acid position is conserved. In addition, the in silico prediction for this alteration is inconclusive. Based on the available evidence, the clinical significance of this variant remains unclear.

Labcorp Genetics (formerly Invitae), Labcorp
Classification: Uncertain significance for Fanconi anemia. Last evaluated: 2024-03-12. Review status: criteria provided, single submitter. Criteria: Invitae Variant Classification Sherloc (09022015). Collection method: clinical testing. Allele origin: germline.
Comment: This sequence change replaces tryptophan, which is neutral and slightly polar, with leucine, which is neutral and non-polar, at codon 464 of the FANCM protein (p.Trp464Leu). This variant is not present in population databases (gnomAD no frequency). This variant has not been reported in the literature in individuals affected with FANCM-related conditions. ClinVar contains an entry for this variant (Variation ID: 954696). An algorithm developed to predict the effect of missense changes on protein structure and function (PolyPhen-2) suggests that this variant is likely to be tolerated. In summary, the available evidence is currently insufficient to determine the role of this variant in disease. Therefore, it has been classified as a Variant of Uncertain Significance.

NM_020937.4(FANCM):c.1391G>T (p.Trp464Leu)

Gene: FANCM (FA complementation group M; plus strand). Cytogenetic location: 14q21.2.
Variant type: single nucleotide variant.
Coding change: c.1391G>T on transcript NM_020937.4 (MANE Select); coding-DNA position 1391, G replaced by T.
Protein change: p.Trp464Leu; replaces tryptophan 464 with leucine.
Molecular consequence: missense variant.
Genome position (GRCh38, 1-based): chr14:45,155,454, G>T. VCF-style: chr14-45155454-G-T. GRCh37 (hg19) VCF-style: chr14-45624657-G-T.
Other names: c.1313G>T, p.Trp438Leu (NM_001308133.2); c.1391G>T, p.Trp464Leu (NM_001308134.2); short protein forms W438L, W464L.
Identifiers: ClinVar variation 954696 (VCV000954696.10), dbSNP rs1566739075, ClinGen allele CA389592332.